The following is an entry in ClinVar:

NM_007294.4(BRCA1):c.442-814_2022del

Gene: BRCA1 (BRCA1 DNA repair associated; minus strand). Cytogenetic location: 17q21.31.
Variant type: Deletion.
Coding change: c.442-814_2022del on transcript NM_007294.4 (MANE Select); 814 bases into the intron before coding-DNA position 442 through coding-DNA position 2022, 7,186 bases deleted.
Molecular consequence: splice acceptor variant, splice donor variant. On other transcripts: initiator codon variant (2).
Genome position (GRCh38, 1-based): chr17:43,093,509-43,100,694, 7,186 bases deleted. GRCh37 (hg19): chr17:41,245,527-41,252,712.
Other names: c.301-814_646+1235del (NM_001408458.1, NM_001408469.1, NM_001408453.1 and 11 more transcripts); c.-218-5834_1134del (NM_001407967.1, NM_001407966.1); c.61-814_1641del (NM_001407959.1, NM_001407963.1, NM_001407960.1); c.301-817_1755del (NM_001407931.1, NM_001407932.1, NM_001407934.1 and 2 more transcripts); c.301-817_1878del (NM_001407747.1, NM_001407848.1, NM_001407839.1 and 20 more transcripts); c.61-817_1638del (NM_001407962.1); c.61-814_283+1235del (NM_001408512.1); c.61-814_406+1235del (NM_001408510.1); and 40 more.
Identifiers: ClinVar variation 3386218 (VCV003386218.1).

ClinVar aggregate classification (germline): Pathogenic (1 of 4 stars; one submission).

Conditions:
BRCA1-related cancer predisposition. Identifiers: MedGen CN377757, MONDO:0700268.

Submission:

All of Us Research Program, National Institutes of Health
Classification: Pathogenic for BRCA1-related cancer predisposition. Last evaluated: 2024-09-27. Review status: criteria provided, single submitter. Criteria: ACMG Guidelines, 2015. Collection method: clinical testing. Allele origin: germline. Inheritance: Autosomal dominant inheritance. Observed: 1 variant allele, 1 heterozygote.
Comment: This variant causes the deletion of exons 7 to 9 and the first 1352 nucleotides of exon 10 in the BRCA1 gene. The impacted exons are also known as exons 6 to 9 in a numbering scheme that only counts coding exon and exons 8 to 11 in Breast Cancer Information Core (BIC) nomenclature. An mRNA lacking exons 7 to 10 is expected to cause a frameshift in the encoded protein and may trigger nonsense-mediated decay. This variant is expected to result in an absent or non-functional protein product. Smaller deletions encompassed by this deletion have been reported as disease-causing in ClinVar (variation ID: 254047, 267544, 373836, 373844, 440443, 1713243). This variant has not been identified in the general population by the Genome Aggregation Database (gnomAD). Based on the available evidence, this variant is classified as Pathogenic.

This study involves interpretation of variants in research participants for the purpose of population health screening. Participant phenotype was not available at the time of variant classification. Additional details can be found in publication PMID: 35346344, PMCID: PMC8962531